The following is an entry in ClinVar:

ClinVar aggregate classification (germline): Conflicting classifications of pathogenicity. Review status: criteria provided, conflicting classifications (1 of 4 stars). 2 submissions from 2 submitters: Uncertain significance (1); Likely benign (1). Last evaluated 2026-07-07.

Conditions:
Gastrointestinal stromal tumor. Also called: Gastrointestinal stromal tumor, somatic; Gastrointestinal stroma tumor. Identifiers: Orphanet 44890, MedGen C0238198, MeSH D046152, MONDO:0011719, OMIM 606764, HP:0100723.
Pheochromocytoma/paraganglioma syndrome 3. Also called: SDHC-Related Hereditary Paraganglioma-Pheochromocytoma Syndrome; Paragangliomas 3; SDHC-Related Hereditary Paraganglioma-Pheochromocytoma Syndrome (Paragangliomas 3); GLOMUS TUMORS, FAMILIAL, 3. Identifiers: Orphanet 29072, MedGen C1854336, MONDO:0011544, OMIM 605373.
Hereditary cancer-predisposing syndrome. Also called: Neoplastic Syndromes, Hereditary; Hereditary Cancer Syndrome; Tumor predisposition; Hereditary neoplastic syndrome. Identifiers: Orphanet 140162, MedGen C0027672, MeSH D009386, MONDO:0015356.

Allele frequency attached by ClinVar (database versions not stated): TOPMed below 0.00001.

Submissions (2):

Ambry Genetics
Classification: Likely benign for Hereditary cancer-predisposing syndrome. Last evaluated: 2026-07-07. Review status: criteria provided, single submitter. Criteria: Ambry Variant Classification Scheme 2023. Collection method: clinical testing. Allele origin: germline.

Labcorp Genetics (formerly Invitae), Labcorp
Classification: Uncertain significance for Pheochromocytoma/paraganglioma syndrome 3; Gastrointestinal stromal tumor. Last evaluated: 2024-05-19. Review status: criteria provided, single submitter. Criteria: Invitae Variant Classification Sherloc (09022015). Collection method: clinical testing. Allele origin: germline.
Comment: This sequence change replaces isoleucine, which is neutral and non-polar, with valine, which is neutral and non-polar, at codon 76 of the SDHC protein (p.Ile76Val). This variant is not present in population databases (gnomAD no frequency). This variant has not been reported in the literature in individuals affected with SDHC-related conditions. ClinVar contains an entry for this variant (Variation ID: 407051). Algorithms developed to predict the effect of missense changes on protein structure and function output the following: SIFT: "Not Available"; PolyPhen-2: "Benign"; Align-GVGD: "Not Available". The valine amino acid residue is found in multiple mammalian species, which suggests that this missense change does not adversely affect protein function. In summary, the available evidence is currently insufficient to determine the role of this variant in disease. Therefore, it has been classified as a Variant of Uncertain Significance.

NM_003001.5(SDHC):c.226A>G (p.Ile76Val)

Gene: SDHC (succinate dehydrogenase complex subunit C; plus strand). Cytogenetic location: 1q23.3.
Variant type: single nucleotide variant.
Coding change: c.226A>G on transcript NM_003001.5 (MANE Select); coding-DNA position 226, A replaced by G.
Protein change: p.Ile76Val; replaces isoleucine 76 with valine.
Molecular consequence: missense variant.
Genome position (GRCh38, 1-based): chr1:161,340,640, A>G. VCF-style: chr1-161340640-A-G. GRCh37 (hg19) VCF-style: chr1-161310430-A-G.
Other names: c.226A>G, p.Ile76Val (NM_001035511.3); c.124A>G, p.Ile42Val (NM_001035512.3, NM_001278172.3, NM_001407118.1); c.67A>G, p.Ile23Val (NM_001035513.3); c.346A>G, p.Ile116Val (NM_001407115.1); c.169A>G, p.Ile57Val (NM_001407116.1, NM_001407117.1, NM_001407121.1); c.115A>G, p.Ile39Val (NM_001407119.1, NM_001407120.1); short protein forms I76V, I23V, I42V, I116V, I57V, I39V.
Identifiers: ClinVar variation 407051 (VCV000407051.7), dbSNP rs1060501389, ClinGen allele CA16609895.